The following is an entry in ClinVar:

ClinVar aggregate classification (germline): Conflicting classifications of pathogenicity. Review status: criteria provided, conflicting classifications (1 of 4 stars). 4 submissions from 4 submitters: Uncertain significance (2); Likely benign (1). 1 of the submissions does not count toward it. Last evaluated 2026-02-27.

Conditions:
ZEB2-related disorder. Also called: ZEB2-related condition.
Mowat-Wilson syndrome (MOWS). Also called: Classic Mowat-Wilson Syndrome. Identifiers: Orphanet 2152, MedGen C1856113, MONDO:0009341, OMIM 235730.

Submissions (4):

Dasa
Classification: Uncertain significance for Mowat-Wilson syndrome. Last evaluated: 2026-02-27. Review status: criteria provided, single submitter. Criteria: DASA Assertion Criteria. Collection method: clinical testing. Allele origin: germline.
Comment: NM_014795.4(ZEB2):c.1516_1518del (p.Pro506del) is an in-frame deletion predicted to remove proline at protein position 506 without shifting the reading frame. This variant is rare in population databases. The currently available literature and clinical evidence are not sufficient to establish a definitive association between this variant and the reported condition. Therefore, this variant is classified as a variant of uncertain significance.

Labcorp Genetics (formerly Invitae), Labcorp
Classification: Likely benign for Mowat-Wilson syndrome. Last evaluated: 2026-02-03. Review status: criteria provided, single submitter. Criteria: Invitae Variant Classification Sherloc (09022015). Collection method: clinical testing. Allele origin: germline.

Women's Health and Genetics/Laboratory Corporation of America, LabCorp
Classification: Uncertain significance. Last evaluated: 2025-03-06. Review status: criteria provided, single submitter. Criteria: LabCorp Variant Classification Summary - May 2015. Collection method: clinical testing. Allele origin: germline.
Comment: Variant summary: ZEB2 c.1516_1518delCCT (p.Pro506del) results in an in-frame deletion that is predicted to remove 1 amino acid from the encoded protein. The variant allele was found at a frequency of 4e-06 in 250998 control chromosomes (gnomAD). The available data on variant occurrences in the general population are insufficient to allow any conclusion about variant significance. To our knowledge, no occurrence of c.1516_1518delCCT in individuals affected with Mowat-Wilson Syndrome and no experimental evidence demonstrating its impact on protein function have been reported. ClinVar contains an entry for this variant (Variation ID: 1016600). Based on the evidence outlined above, the variant was classified as uncertain significance.

PreventionGenetics, part of Exact Sciences
Classification: Likely benign for ZEB2-related condition. Last evaluated: 2023-04-19. Review status: no assertion criteria provided. Collection method: clinical testing. Allele origin: germline. Not counted in ClinVar's aggregate classification.
Comment: This variant is classified as likely benign based on ACMG/AMP sequence variant interpretation guidelines (Richards et al. 2015 PMID: 25741868, with internal and published modifications).

NM_014795.4(ZEB2):c.1516_1518del (p.Pro506del)

Gene: ZEB2 (zinc finger E-box binding homeobox 2; minus strand). Cytogenetic location: 2q22.3.
Variant type: Deletion.
Coding change: c.1516_1518del on transcript NM_014795.4 (MANE Select); coding-DNA positions 1516 to 1518, 3 bases deleted (CCT; older notation c.1516_1518delCCT).
Protein change: p.Pro506del; deletes proline 506.
Molecular consequence: inframe deletion.
Genome position (GRCh38, 1-based): chr2:144,399,669-144,399,671, AGG deleted on the plus strand (CCT on the coding strand, the reverse complement: ZEB2 is on the minus strand); deleting any 3 consecutive bases within chr2:144,399,669-144,399,673 gives the same sequence; the c. name uses the placement nearest the transcript's 3' end. VCF-style (leftmost placement, unchanged base first): chr2-144399668-TAGG-T. GRCh37 (hg19) VCF-style: chr2-145157235-TAGG-T.
Other names: c.1516_1518delCCT (NM_014795.4); c.1444_1446del, p.Pro482del (NM_001171653.2); short protein forms P482del, P506del.
Identifiers: ClinVar variation 1016600 (VCV001016600.11), dbSNP rs1276023381, ClinGen allele CA537029220.